The following is an entry in ClinVar:

ClinVar aggregate classification (germline): Uncertain significance (1 of 4 stars; one submission).

Submission:

Labcorp Genetics (formerly Invitae), Labcorp
Classification: Uncertain significance. Last evaluated: 2023-03-11. Review status: criteria provided, single submitter. Criteria: Invitae Variant Classification Sherloc (09022015). Collection method: clinical testing. Allele origin: germline.
Comment: This sequence change replaces asparagine, which is neutral and polar, with aspartic acid, which is acidic and polar, at codon 1991 of the TRPM6 protein (p.Asn1991Asp). This variant is not present in population databases (gnomAD no frequency). This variant has not been reported in the literature in individuals affected with TRPM6-related conditions. An algorithm developed to predict the effect of missense changes on protein structure and function (PolyPhen-2) suggests that this variant is likely to be tolerated. In summary, the available evidence is currently insufficient to determine the role of this variant in disease. Therefore, it has been classified as a Variant of Uncertain Significance.

NM_017662.5(TRPM6):c.5971A>G (p.Asn1991Asp)

Gene: TRPM6 (transient receptor potential cation channel subfamily M member 6; minus strand). Cytogenetic location: 9q21.13.
Variant type: single nucleotide variant.
Coding change: c.5971A>G on transcript NM_017662.5 (MANE Select); coding-DNA position 5971, A replaced by G.
Protein change: p.Asn1991Asp; replaces asparagine 1991 with aspartic acid.
Molecular consequence: missense variant.
Genome position (GRCh38, 1-based): chr9:74,724,711, T>C on the plus strand (A>G on the coding strand, the complement: TRPM6 is on the minus strand). VCF-style: chr9-74724711-T-C. GRCh37 (hg19) VCF-style: chr9-77339627-T-C.
Other names: c.5956A>G, p.Asn1986Asp (NM_001177310.2, NM_001177311.2); short protein forms N1986D, N1991D.
Identifiers: ClinVar variation 2818528 (VCV002818528.3), dbSNP rs201794531, ClinGen allele CA373669231.